The following is an entry in ClinVar:

NM_001061.7(TBXAS1):c.629T>A (p.Val210Glu)

Gene: TBXAS1 (thromboxane A synthase 1; plus strand). Cytogenetic location: 7q34.
Variant type: single nucleotide variant.
Coding change: c.629T>A on transcript NM_001061.7 (MANE Select); coding-DNA position 629, T replaced by A.
Protein change: p.Val210Glu; replaces valine 210 with glutamic acid.
Molecular consequence: missense variant.
Genome position (GRCh38, 1-based): chr7:139,955,548, T>A. VCF-style: chr7-139955548-T-A. GRCh37 (hg19) VCF-style: chr7-139655347-T-A.
Other names: c.629T>A, p.Val210Glu (NM_001130966.5, NM_030984.6); c.767T>A, p.Val256Glu (NM_001166253.4); c.428T>A, p.Val143Glu (NM_001166254.4); c.572T>A, p.Val191Glu (NM_001314028.4); c.446T>A, p.Val149Glu (NM_001366537.3); short protein forms V210E, V149E, V143E, V191E, V256E.
Identifiers: ClinVar variation 1495947 (VCV001495947.4), dbSNP rs757201633, ClinGen allele CA4511738.

ClinVar aggregate classification (germline): Uncertain significance (1 of 4 stars; one submission).

Allele frequency attached by ClinVar (database versions not stated): ExAC 0.00001; gnomAD exomes 0.00001.
gnomAD v4.1: 22 of 1,614,108 alleles (0.0014%); highest among the groups gnomAD compares: Non-Finnish European, 0.0018%; no homozygotes.

Submission:

Labcorp Genetics (formerly Invitae), Labcorp
Classification: Uncertain significance. Last evaluated: 2025-08-21. Review status: criteria provided, single submitter. Criteria: Invitae Variant Classification Sherloc (09022015). Collection method: clinical testing. Allele origin: germline.
Comment: This sequence change replaces valine, which is neutral and non-polar, with glutamic acid, which is acidic and polar, at codon 211 of the TBXAS1 protein (p.Val211Glu). This variant is present in population databases (rs757201633, gnomAD 0.004%). This variant has not been reported in the literature in individuals affected with TBXAS1-related conditions. ClinVar contains an entry for this variant (Variation ID: 1495947). An algorithm developed to predict the effect of missense changes on protein structure and function (PolyPhen-2) suggests that this variant is likely to be disruptive. In summary, the available evidence is currently insufficient to determine the role of this variant in disease. Therefore, it has been classified as a Variant of Uncertain Significance.